The following is an entry in ClinVar:

NM_053013.4(ENO3):c.548G>A (p.Arg183His)

Gene: ENO3 (enolase 3; plus strand). Cytogenetic location: 17p13.2.
Variant type: single nucleotide variant.
Coding change: c.548G>A on transcript NM_053013.4 (MANE Select); coding-DNA position 548, G replaced by A.
Protein change: p.Arg183His; replaces arginine 183 with histidine.
Molecular consequence: missense variant.
Genome position (GRCh38, 1-based): chr17:4,955,178, G>A. VCF-style: chr17-4955178-G-A. GRCh37 (hg19) VCF-style: chr17-4858473-G-A.
Other names: c.419G>A, p.Arg140His (NM_001193503.2); c.548G>A, p.Arg183His (NM_001374523.1, NM_001976.5); c.575G>A, p.Arg192His (NM_001374524.1); short protein forms R192H, R140H, R183H.
Identifiers: ClinVar variation 1370967 (VCV001370967.5), dbSNP rs756594079, ClinGen allele CA8316345.
Genomic context (GRCh38, chr17:4,955,178, plus strand): 5'-TGGCCATGCAGGAGTTCATGATTCTGCCTGTGGGAGCCAGCTCCTTCAAGGAAGCCATGC[G>A]CATTGGCGCCGAGGTCTACCACCACCTCAAGGGGGTCATCAAGGCCAAGTATGGGAAGGA-3'
Protein context (NP_443739.3, residues 173-193): VGASSFKEAM[Arg183His]IGAEVYHHLK

ClinVar aggregate classification (germline): Uncertain significance (1 of 4 stars; one submission).

Conditions:
Glycogen storage disease due to muscle beta-enolase deficiency (GSD13). Also called: ENOLASE 3 DEFICIENCY; ENOLASE-BETA DEFICIENCY; GSD XIII; Glycogen Storage Disease Type XIII. Identifiers: Orphanet 99849, MedGen C2752027, MONDO:0013046, OMIM 612932.

Allele frequency attached by ClinVar (database versions not stated): TOPMed 0.00003; ExAC 0.00004; gnomAD exomes 0.00004.
gnomAD v4.1: 38 of 1,614,120 alleles (0.0024%); highest among the groups gnomAD compares: Middle Eastern, 0.016%; no homozygotes.

Submission:

Labcorp Genetics (formerly Invitae), Labcorp
Classification: Uncertain significance for Glycogen storage disease due to muscle beta-enolase deficiency. Last evaluated: 2022-11-08. Review status: criteria provided, single submitter. Criteria: Invitae Variant Classification Sherloc (09022015). Collection method: clinical testing. Allele origin: germline.
Comment: In summary, the available evidence is currently insufficient to determine the role of this variant in disease. Therefore, it has been classified as a Variant of Uncertain Significance. Advanced modeling of protein sequence and biophysical properties (such as structural, functional, and spatial information, amino acid conservation, physicochemical variation, residue mobility, and thermodynamic stability) performed at Invitae indicates that this missense variant is not expected to disrupt ENO3 protein function. ClinVar contains an entry for this variant (Variation ID: 1370967). This variant has not been reported in the literature in individuals affected with ENO3-related conditions. This variant is present in population databases (rs756594079, gnomAD 0.006%). This sequence change replaces arginine, which is basic and polar, with histidine, which is basic and polar, at codon 183 of the ENO3 protein (p.Arg183His).